The following is an entry in ClinVar:

NM_001244008.2(KIF1A):c.2893G>A (p.Val965Ile)

Gene: KIF1A (kinesin family member 1A; minus strand). Cytogenetic location: 2q37.3.
Variant type: single nucleotide variant.
Coding change: c.2893G>A on transcript NM_001244008.2 (MANE Select); coding-DNA position 2893, G replaced by A.
Protein change: p.Val965Ile; replaces valine 965 with isoleucine.
Molecular consequence: missense variant.
Genome position (GRCh38, 1-based): chr2:240,750,513, C>T on the plus strand (G>A on the coding strand, the complement: KIF1A is on the minus strand). VCF-style: chr2-240750513-C-T. GRCh37 (hg19) VCF-style: chr2-241689930-C-T.
Other names: c.2617G>A, p.Val873Ile (NM_001320705.2, NM_001330289.2, NM_001379638.1); c.2692G>A, p.Val898Ile (NM_001330290.2, NM_001379634.1, NM_001379635.1 and 1 more transcripts); c.2968G>A, p.Val990Ile (NM_001379631.1); c.2842G>A, p.Val948Ile (NM_001379632.1); c.2866G>A, p.Val956Ile (NM_001379633.1, NM_001379642.1, NM_001379645.1); c.2590G>A, p.Val864Ile (NM_001379636.1, NM_001379639.1, NM_001379640.1 and 6 more transcripts); c.2665G>A, p.Val889Ile (NM_001379637.1, NM_001379648.1); short protein forms V898I, V889I, V948I, V990I, V864I, V956I, V873I, V965I.
Identifiers: ClinVar variation 1483316 (VCV001483316.7), dbSNP rs747975784, ClinGen allele CA2207988.

ClinVar aggregate classification (germline): Uncertain significance. Review status: criteria provided, multiple submitters, no conflicts (2 of 4 stars). 2 submissions from 2 submitters: Uncertain significance (2). Last evaluated 2025-09-03.

Conditions:
Spastic paraplegia 30B, autosomal recessive. Identifiers: MedGen C5935571, MONDO:0971149, OMIM 620607.
Hereditary spastic paraplegia 30. Identifiers: Orphanet 101010, MedGen C5235139, MONDO:0012476.
Neuropathy, hereditary sensory, type 2C. Also called: KIF1A-Related HSAN2 (HSAN2C); Hereditary sensory and autonomic neuropathy type IIC. Identifiers: Orphanet 970, MedGen C3280168, MONDO:0013634, OMIM 614213.
Intellectual disability, autosomal dominant 9 (NESCAVS). Also called: KIF1A-Related Neurodevelopmental Disorder; NESCAV SYNDROME. Identifiers: Orphanet 662367, MedGen C5393830, MONDO:0013656, OMIM 614255.

Allele frequency attached by ClinVar (database versions not stated): gnomAD exomes 0.00002 and 0.00001; ExAC 0.00001; gnomAD 0.00002.
gnomAD v4.1: 12 of 1,613,734 alleles (0.00074%); highest among the groups gnomAD compares: East Asian, 0.0067%; no homozygotes.

Submissions (2):

Clinical Genomics Laboratory, Washington University in St. Louis
Classification: Uncertain significance for Intellectual disability, autosomal dominant 9; Spastic paraplegia 30A, autosomal dominant; Spastic paraplegia 30B, autosomal recessive; Neuropathy, hereditary sensory, type 2C. Last evaluated: 2025-09-03. Review status: criteria provided, single submitter. Criteria: ACMG Guidelines, 2015. Collection method: clinical testing. Allele origin: germline.
Comment: The KIF1A c.2893G>A (p.Val965Ile) variant, to our knowledge, has not been reported in the medical literature. The highest population minor allele frequency in the population database genome aggregation database (v.2.1.1) is 0.02% in the East Asian population. Computational predictors are uncertain as to the impact of this variant on KIF1A function. KIF1A has a low rate of benign missense variation and pathogenic missense variants are a common mechanism of disease. This variant has been reported in the ClinVar database as a germline variant of uncertain significance by a single submitter. Due to limited information, and based on ACMG/AMP guidelines for variant interpretation (Richards S et al., PMID: 25741868), the clinical significance of this variant is uncertain at this time.

Labcorp Genetics (formerly Invitae), Labcorp
Classification: Uncertain significance for Hereditary spastic paraplegia 30; Neuropathy, hereditary sensory, type 2C; Intellectual disability, autosomal dominant 9. Last evaluated: 2025-04-21. Review status: criteria provided, single submitter. Criteria: Invitae Variant Classification Sherloc (09022015). Collection method: clinical testing. Allele origin: germline.
Comment: This sequence change replaces valine, which is neutral and non-polar, with isoleucine, which is neutral and non-polar, at codon 864 of the KIF1A protein (p.Val864Ile). This variant is present in population databases (rs747975784, gnomAD 0.02%). This variant has not been reported in the literature in individuals affected with KIF1A-related conditions. ClinVar contains an entry for this variant (Variation ID: 1483316). Invitae Evidence Modeling of protein sequence and biophysical properties (such as structural, functional, and spatial information, amino acid conservation, physicochemical variation, residue mobility, and thermodynamic stability) has been performed for this missense variant. However, the output from this modeling did not meet the statistical confidence thresholds required to predict the impact of this variant on KIF1A protein function. In summary, the available evidence is currently insufficient to determine the role of this variant in disease. Therefore, it has been classified as a Variant of Uncertain Significance.